The following is an entry in ClinVar:

ClinVar aggregate classification (germline): Uncertain significance (1 of 4 stars; one submission).

Submission:

Labcorp Genetics (formerly Invitae), Labcorp
Classification: Uncertain significance. Last evaluated: 2022-06-04. Review status: criteria provided, single submitter. Criteria: Invitae Variant Classification Sherloc (09022015). Collection method: clinical testing. Allele origin: germline.
Comment: This variant is a gross deletion of the genomic region encompassing exon(s) 21-22 of the ARMC9 gene. This variant would be expected to be in-frame, preserving the integrity of the reading frame. This variant has not been reported in the literature in individuals affected with ARMC9-related conditions. Experimental studies and prediction algorithms are not available or were not evaluated, and the functional significance of this variant is currently unknown. In summary, the available evidence is currently insufficient to determine the role of this variant in disease. Therefore, it has been classified as a Variant of Uncertain Significance.

NC_000002.11:g.(?_232220490)_(232225614_?)del

Gene: ARMC9 (armadillo repeat containing 9; plus strand). Cytogenetic location: 2q37.1.
Variant type: Deletion.
Identifiers: ClinVar variation 1069480 (VCV001069480.2).